The following is an entry in ClinVar:

ClinVar aggregate classification (germline): Likely benign (1 of 4 stars; one submission).

Allele frequency attached by ClinVar (database versions not stated): ExAC 0.00090.

Submission:

CeGaT Center for Human Genetics Tuebingen
Classification: Likely benign. Last evaluated: 2023-12-01. Review status: criteria provided, single submitter. Criteria: CeGaT Center For Human Genetics Tuebingen Variant Classification Criteria Version 2. Collection method: clinical testing. Allele origin: germline. Affected: yes. Observed: 1 variant allele.
Comment: MECOM: BP4

NM_004991.4(MECOM):c.142T>C (p.Ser48Pro)

Gene: MECOM (MDS1 and EVI1 complex locus; minus strand). Cytogenetic location: 3q26.2.
Variant type: single nucleotide variant.
Coding change: c.142T>C on transcript NM_004991.4 (MANE Select); coding-DNA position 142, T replaced by C.
Protein change: p.Ser48Pro; replaces serine 48 with proline.
Molecular consequence: missense variant. On other transcripts: intron variant (1).
Genome position (GRCh38, 1-based): chr3:169,381,420, A>G on the plus strand (T>C on the coding strand, the complement: MECOM is on the minus strand). VCF-style: chr3-169381420-A-G. GRCh37 (hg19) VCF-style: chr3-169099208-A-G.
Other names: c.142T>C, p.Ser48Pro (NM_001366466.2, NM_001366473.2); c.-189-237588T>C (NM_001205194.2); short protein forms S48P.
Identifiers: ClinVar variation 3026905 (VCV003026905.22), dbSNP rs760262585, ClinGen allele CA2696717.
Genomic context (GRCh38, chr3:169,381,420, plus strand): 5'-TGGGGGCTTTGTAAGGAGAACCCTCCTTTGGAGTGAATGCTTCACTGGATGTGGCAGGAG[A>G]GCATGGCTCTTGAATATTGAGGGAGGGAGTGCTGGCTACTCCATCTGCATCTGGCATTTC-3'
Protein context (NP_004982.2, residues 38-58): TPSLNIQEPC[Ser48Pro]PATSSEAFTP